The following is an entry in ClinVar:

NM_014290.3(TDRD7):c.231C>T (p.Cys77=)

Gene: TDRD7 (tudor domain containing 7; plus strand). Cytogenetic location: 9q22.33.
Variant type: single nucleotide variant.
Coding change: c.231C>T on transcript NM_014290.3 (MANE Select); coding-DNA position 231, C replaced by T.
Protein change: p.Cys77=; no amino-acid change (cysteine 77 retained).
Molecular consequence: synonymous variant.
Genome position (GRCh38, 1-based): chr9:97,430,956, C>T. VCF-style: chr9-97430956-C-T. GRCh37 (hg19) VCF-style: chr9-100193238-C-T.
Other names: c.9C>T, p.Cys3= (NM_001302884.2).
Identifiers: ClinVar variation 539171 (VCV000539171.15), dbSNP rs143579801, ClinGen allele CA5146396.
Genomic context (GRCh38, chr9:97,430,956, plus strand): 5'-GAAATGTTTCTCCTCTTACCCTGCCTCTAATGAATAGATTACCTGCTATGCCATGGCCTG[C>T]ACAGAAACTGCAAGAATTGCTCAGCTTGTGGCTCGTCAAAGGAGTTCTAAAAGGAAAACC-3'
Protein context (NP_055105.2, residues 67-87): SGEITCYAMA[Cys77=]TETARIAQLV

ClinVar aggregate classification (germline): Conflicting classifications of pathogenicity. Review status: criteria provided, conflicting classifications (1 of 4 stars). 4 submissions from 4 submitters: Uncertain significance (1); Benign (1); Likely benign (2). Last evaluated 2025-10-22.

Conditions:
Cataract 36. Identifiers: MedGen C3151304, MONDO:0013484, OMIM 613887.
TDRD7-related disorder. Also called: TDRD7-related condition.

Allele frequency attached by ClinVar (database versions not stated): gnomAD exomes 0.00113 and 0.00196; TOPMed 0.00119; gnomAD 0.00124 and 0.00129; ESP Exome Variant Server 0.00077; 1000 Genomes Project 30x 0.00078; 1000 Genomes Project 0.00080; ExAC 0.00111.
gnomAD v4.1: 3,049 of 1,613,818 alleles (0.19%); highest among the groups gnomAD compares: Non-Finnish European, 0.23%; 6 homozygotes.

Submissions (4):

PreventionGenetics, part of Exact Sciences
Classification: Likely benign for TDRD7-related condition. Last evaluated: 2025-10-22. Review status: criteria provided, single submitter. Criteria: ACMG Guidelines, 2015. Collection method: clinical testing. Allele origin: germline.
Comment: This variant is classified as likely benign based on ACMG/AMP sequence variant interpretation guidelines (Richards et al. 2015 PMID: 25741868, with internal and published modifications).

Labcorp Genetics (formerly Invitae), Labcorp
Classification: Benign for Cataract 36. Last evaluated: 2025-06-18. Review status: criteria provided, single submitter. Criteria: Invitae Variant Classification Sherloc (09022015). Collection method: clinical testing. Allele origin: germline.

Blueprint Genetics
Classification: Likely benign. Last evaluated: 2024-11-19. Review status: criteria provided, single submitter. Criteria: ACMG Guidelines, 2015. Collection method: clinical testing. Allele origin: germline.

Illumina Laboratory Services, Illumina
Classification: Uncertain significance for Cataract 36. Last evaluated: 2018-01-13. Review status: criteria provided, single submitter. Criteria: ICSL Variant Classification Criteria 13 December 2019. Collection method: clinical testing. Allele origin: germline.